The following is an entry in ClinVar:

NM_019066.5(MAGEL2):c.3745C>T (p.Arg1249Cys)

Gene: MAGEL2 (MAGE family member L2; minus strand). Cytogenetic location: 15q11.2.
Variant type: single nucleotide variant.
Coding change: c.3745C>T on transcript NM_019066.5 (MANE Select); coding-DNA position 3745, C replaced by T.
Protein change: p.Arg1249Cys; replaces arginine 1249 with cysteine.
Molecular consequence: missense variant.
Genome position (GRCh38, 1-based): chr15:23,643,998, G>A on the plus strand (C>T on the coding strand, the complement: MAGEL2 is on the minus strand). VCF-style: chr15-23643998-G-A. GRCh37 (hg19) VCF-style: chr15-23889145-G-A.
Other names: short protein forms R1249C.
Identifiers: ClinVar variation 2644975 (VCV002644975.27), dbSNP rs769676927, ClinGen allele CA7429645.

ClinVar aggregate classification (germline): Uncertain significance. Review status: criteria provided, multiple submitters, no conflicts (2 of 4 stars). 2 submissions from 2 submitters: Uncertain significance (2). Last evaluated 2025-10-07.

Allele frequency attached by ClinVar (database versions not stated): gnomAD 0.00001.
gnomAD v4.1: 71 of 1,592,432 alleles (0.0045%); highest among the groups gnomAD compares: East Asian, 0.016%; no homozygotes.

Submissions (2):

Labcorp Genetics (formerly Invitae), Labcorp
Classification: Uncertain significance. Last evaluated: 2025-10-07. Review status: criteria provided, single submitter. Criteria: Invitae Variant Classification Sherloc (09022015). Collection method: clinical testing. Allele origin: germline.
Comment: This sequence change replaces arginine, which is basic and polar, with cysteine, which is neutral and slightly polar, at codon 1249 of the MAGEL2 protein (p.Arg1249Cys). This variant is present in population databases (rs769676927, gnomAD 0.004%). This variant has not been reported in the literature in individuals affected with MAGEL2-related conditions. ClinVar contains an entry for this variant (Variation ID: 2644975). Experimental studies and prediction algorithms are not available or were not evaluated, and the functional significance of this variant is currently unknown. In summary, the available evidence is currently insufficient to determine the role of this variant in disease. Therefore, it has been classified as a Variant of Uncertain Significance.

CeGaT Center for Human Genetics Tuebingen
Classification: Uncertain significance. Last evaluated: 2022-04-01. Review status: criteria provided, single submitter. Criteria: CeGaT Center For Human Genetics Tuebingen Variant Classification Criteria Version 2. Collection method: clinical testing. Allele origin: germline. Affected: yes. Observed: 2 variant alleles.
Comment: MAGEL2: PM2, BP4